The following is an entry in ClinVar:

ClinVar aggregate classification (germline): Uncertain significance (1 of 4 stars; one submission).

Submission:

Labcorp Genetics (formerly Invitae), Labcorp
Classification: Uncertain significance. Last evaluated: 2019-03-07. Review status: criteria provided, single submitter. Criteria: Invitae Variant Classification Sherloc (09022015). Collection method: clinical testing. Allele origin: germline.
Comment: This variant is not present in population databases (ExAC no frequency). In summary, the available evidence is currently insufficient to determine the role of this variant in disease. Therefore, it has been classified as a Variant of Uncertain Significance. Algorithms developed to predict the effect of missense changes on protein structure and function are either unavailable or do not agree on the potential impact of this missense change (SIFT: "Deleterious"; PolyPhen-2: "Probably Damaging"; Align-GVGD: "Class C0"). This variant has not been reported in the literature in individuals with MTOR-related conditions. This sequence change replaces alanine with serine at codon 1789 of the MTOR protein (p.Ala1789Ser). The alanine residue is highly conserved and there is a moderate physicochemical difference between alanine and serine.

NM_004958.4(MTOR):c.5365G>T (p.Ala1789Ser)

Gene: MTOR (mechanistic target of rapamycin kinase; minus strand). Cytogenetic location: 1p36.22.
Variant type: single nucleotide variant.
Coding change: c.5365G>T on transcript NM_004958.4 (MANE Select); coding-DNA position 5365, G replaced by T.
Protein change: p.Ala1789Ser; replaces alanine 1789 with serine.
Molecular consequence: missense variant.
Genome position (GRCh38, 1-based): chr1:11,130,777, C>A on the plus strand (G>T on the coding strand, the complement: MTOR is on the minus strand). VCF-style: chr1-11130777-C-A. GRCh37 (hg19) VCF-style: chr1-11190834-C-A.
Other names: short protein forms A1789S.
Identifiers: ClinVar variation 863392 (VCV000863392.9), dbSNP rs1643108684, ClinGen allele CA338398906.